The following is an entry in ClinVar:

ClinVar aggregate classification (germline): Pathogenic (1 of 4 stars; one submission).

Conditions:
Hereditary cancer-predisposing syndrome. Also called: Neoplastic Syndromes, Hereditary; Tumor predisposition; Hereditary neoplastic syndrome; Hereditary Cancer Syndrome. Identifiers: Orphanet 140162, MedGen C0027672, MeSH D009386, MONDO:0015356.

Submission:

Ambry Genetics
Classification: Pathogenic for Hereditary cancer-predisposing syndrome. Last evaluated: 2024-02-28. Review status: criteria provided, single submitter. Criteria: Ambry Variant Classification Scheme 2023. Collection method: clinical testing. Allele origin: germline.
Comment: The c.3515dupG pathogenic mutation, located in coding exon 6 of the MSH6 gene, results from a duplication of G at nucleotide position 3515, causing a translational frameshift with a predicted alternate stop codon (p.V1173Sfs*4). This alteration is expected to result in loss of function by premature protein truncation or nonsense-mediated mRNA decay. As such, this alteration is interpreted as a disease-causing mutation.

NM_000179.3(MSH6):c.3515dup (p.Val1173fs)

Gene: MSH6 (mutS homolog 6; plus strand). Cytogenetic location: 2p16.3.
Variant type: Duplication.
Coding change: c.3515dup on transcript NM_000179.3 (MANE Select); coding-DNA position 3515, one base duplicated (G; older notation c.3515dupG).
Protein change: p.Val1173fs; shifts the reading frame from valine 1173.
Molecular consequence: frameshift variant. On other transcripts: non-coding transcript variant (4).
Genome position (GRCh38, 1-based): chr2:47,804,986, G duplicated. VCF-style (leftmost placement, unchanged base first): chr2-47804985-A-AG. GRCh37 (hg19) VCF-style: chr2-48032124-A-AG.
Other names: c.3125dup, p.Val1043fs (NM_001281492.2); c.2609dup, p.Val871fs (NM_001281493.2, NM_001281494.2, NM_001406811.1 and 6 more transcripts); c.3611dup, p.Val1205fs (NM_001406795.1, NM_001406802.1); c.3515dup, p.Val1173fs (NM_001406796.1, NM_001406800.1, NM_001406808.1 and 1 more transcripts); c.3218dup, p.Val1074fs (NM_001406797.1, NM_001406801.1, NM_001406805.1 and 10 more transcripts); c.3341dup, p.Val1115fs (NM_001406798.1); c.2990dup, p.Val998fs (NM_001406799.1, NM_001406806.1, NM_001406807.1); c.2651dup, p.Val885fs (NM_001406803.1); and 8 more; short protein forms V100fs, V1043fs, V1074fs, V1115fs, V1117fs, V1147fs, V1173fs, V1175fs.
Identifiers: ClinVar variation 3230553 (VCV003230553.1), dbSNP rs2530804230, ClinGen allele CA2825001127.